The following is an entry in ClinVar:

NM_007327.4(GRIN1):c.2073C>G (p.Ile691Met)

Gene: GRIN1 (glutamate ionotropic receptor NMDA type subunit 1; plus strand). Cytogenetic location: 9q34.3.
Variant type: single nucleotide variant.
Coding change: c.2073C>G on transcript NM_007327.4 (MANE Select); coding-DNA position 2073, C replaced by G.
Protein change: p.Ile691Met; replaces isoleucine 691 with methionine.
Molecular consequence: missense variant.
Genome position (GRCh38, 1-based): chr9:137,162,905, C>G. VCF-style: chr9-137162905-C-G. GRCh37 (hg19) VCF-style: chr9-140057357-C-G.
Other names: c.2136C>G, p.Ile712Met (NM_001185091.2, NM_001185090.2); c.2073C>G, p.Ile691Met (NM_021569.4, NM_000832.7); short protein forms I691M, I712M.
Identifiers: ClinVar variation 3649200 (VCV003649200.2).
Genomic context (GRCh38, chr9:137,162,905, plus strand): 5'-GCTGAGGAACCCCTCGGACAAGTTTATCTACGCCACGGTGAAGCAGAGCTCCGTGGATAT[C>G]TACTTCCGGCGCCAGGTGGAGCTGAGCACCATGTACCGGCATATGGAGAAGCACAACTAC-3'
Protein context (NP_015566.1, residues 681-701): YATVKQSSVD[Ile691Met]YFRRQVELST

ClinVar aggregate classification (germline): Uncertain significance (1 of 4 stars; one submission).

Conditions:
Neurodevelopmental disorder with or without hyperkinetic movements and seizures, autosomal dominant. Also called: Intellectual disability, autosomal dominant 8. Identifiers: MedGen C3280282, MONDO:0013655, OMIM 614254.

Submission:

Labcorp Genetics (formerly Invitae), Labcorp
Classification: Uncertain significance for Neurodevelopmental disorder with or without hyperkinetic movements and seizures, autosomal dominant. Last evaluated: 2024-04-08. Review status: criteria provided, single submitter. Criteria: Invitae Variant Classification Sherloc (09022015). Collection method: clinical testing. Allele origin: germline.
Comment: This sequence change replaces isoleucine, which is neutral and non-polar, with methionine, which is neutral and non-polar, at codon 691 of the GRIN1 protein (p.Ile691Met). This variant is not present in population databases (gnomAD no frequency). This variant has not been reported in the literature in individuals affected with GRIN1-related conditions. Advanced modeling of protein sequence and biophysical properties (such as structural, functional, and spatial information, amino acid conservation, physicochemical variation, residue mobility, and thermodynamic stability) has been performed at Invitae for this missense variant, however the output from this modeling did not meet the statistical confidence thresholds required to predict the impact of this variant on GRIN1 protein function. In summary, the available evidence is currently insufficient to determine the role of this variant in disease. Therefore, it has been classified as a Variant of Uncertain Significance.